The following is an entry in ClinVar:

NM_004369.4(COL6A3):c.5635G>A (p.Gly1879Ser)

Gene: COL6A3 (collagen type VI alpha 3 chain; minus strand). Cytogenetic location: 2q37.3.
Variant type: single nucleotide variant.
Coding change: c.5635G>A on transcript NM_004369.4 (MANE Select); coding-DNA position 5635, G replaced by A.
Protein change: p.Gly1879Ser; replaces glycine 1879 with serine.
Molecular consequence: missense variant.
Genome position (GRCh38, 1-based): chr2:237,365,901, C>T on the plus strand (G>A on the coding strand, the complement: COL6A3 is on the minus strand). VCF-style: chr2-237365901-C-T. GRCh37 (hg19) VCF-style: chr2-238274544-C-T.
Other names: c.3814G>A, p.Gly1272Ser (NM_057166.5); c.5017G>A, p.Gly1673Ser (NM_057167.4); short protein forms G1879S, G1272S, G1673S.
Identifiers: ClinVar variation 286465 (VCV000286465.63), dbSNP rs760603443, ClinGen allele CA2188621.
Genomic context (GRCh38, chr2:237,365,901, plus strand): 5'-CCACCGGGCCCGAGGGCGTGTTGGCCACCACTGACACACGCACGGTGGGCGAGCGGCCAC[C>T]GCTGCAGCTGACCCTGTGCATCTGGCTGATTCTGTTCAAGATGGCGTCCACCTTGGACTC-3'
Protein context (NP_004360.2, residues 1869-1889): ISQMHRVSCS[Gly1879Ser]GRSPTVRVSV

ClinVar aggregate classification (germline): Conflicting classifications of pathogenicity. Review status: criteria provided, conflicting classifications (1 of 4 stars). 6 submissions from 6 submitters: Uncertain significance (4); Likely benign (2). Last evaluated 2025-10-12.

Conditions:
Collagen 6-related myopathy. Identifiers: MedGen CN117976, MONDO:0100225.
Bethlem myopathy 1A. Also called: Bethlem myopathy 1; Bethlem Muscular Dystrophy; MYOPATHY, BENIGN CONGENITAL, WITH CONTRACTURES. Identifiers: Orphanet 610, MedGen CN029274, MONDO:0024530, OMIM 158810.

Allele frequency attached by ClinVar (database versions not stated): ExAC 0.00006; gnomAD 0.00006 and 0.00007; gnomAD exomes 0.00008; TOPMed 0.00013.
gnomAD v4.1: 130 of 1,614,032 alleles (0.0081%); highest among the groups gnomAD compares: Admixed American, 0.012%; no homozygotes.

Submissions (6):

Labcorp Genetics (formerly Invitae), Labcorp
Classification: Likely benign for Bethlem myopathy 1A. Last evaluated: 2025-10-12. Review status: criteria provided, single submitter. Criteria: Invitae Variant Classification Sherloc (09022015). Collection method: clinical testing. Allele origin: germline.

GeneDx
Classification: Uncertain significance. Last evaluated: 2022-04-06. Review status: criteria provided, single submitter. Criteria: GeneDx Variant Classification Process June 2021. Collection method: clinical testing. Allele origin: germline. Affected: yes.
Comment: Observed in the heterozygous state in two patients from a limb girdle muscular dystrophy cohort and reported as uncertain significance, without additional segregation or clinical information (Nallamilli et al., 2018); In silico analysis supports that this missense variant does not alter protein structure/function; This variant is associated with the following publications: (PMID: 30564623)

Revvity Omics, Revvity
Classification: Uncertain significance. Last evaluated: 2021-02-09. Review status: criteria provided, single submitter. Criteria: ACMG Guidelines, 2015. Collection method: clinical testing. Allele origin: germline.

Eurofins Ntd Llc (ga)
Classification: Uncertain significance. Last evaluated: 2018-01-19. Review status: criteria provided, single submitter. Criteria: EGL Classification Definitions 2015. Collection method: clinical testing. Allele origin: germline. Observed: 5 variant alleles, 5 heterozygotes.

Illumina Laboratory Services, Illumina
Classification: Likely benign for Collagen VI-related myopathy. Last evaluated: 2018-01-12. Review status: criteria provided, single submitter. Criteria: ICSL Variant Classification Criteria 13 December 2019. Collection method: clinical testing. Allele origin: germline.
Comment: This variant was observed in the ICSL laboratory as part of a predisposition screen in an ostensibly healthy population. It had not been previously curated by ICSL or reported in the Human Gene Mutation Database (HGMD: prior to June 1st, 2018), and was therefore a candidate for classification through an automated scoring system. Utilizing variant allele frequency, disease prevalence and penetrance estimates, and inheritance mode, an automated score was calculated to assess if this variant is too frequent to cause the disease. Based on the score and internal cut-off values, a variant classified as likely benign is not then subjected to further curation. The score for this variant resulted in a classification of likely benign for this disease.

CeGaT Center for Human Genetics Tuebingen
Classification: Uncertain significance. Last evaluated: 2016-07-01. Review status: criteria provided, single submitter. Criteria: CeGaT Center For Human Genetics Tuebingen Variant Classification Criteria Version 2. Collection method: clinical testing. Allele origin: germline. Affected: yes. Observed: 1 variant allele.